The following is an entry in ClinVar:

ClinVar aggregate classification (germline): Uncertain significance. Review status: criteria provided, multiple submitters, no conflicts (2 of 4 stars). 3 submissions from 3 submitters: Uncertain significance (3). Last evaluated 2023-04-20.

Conditions:
Xeroderma pigmentosum group B. Also called: XP, GROUP B; ERCC3-Related Xeroderma Pigmentosum; XPB/CS; XERODERMA PIGMENTOSUM B/COCKAYNE SYNDROME. Identifiers: MedGen C0268136, MONDO:0012531, OMIM 610651.
Trichothiodystrophy 2, photosensitive (TTD2). Identifiers: Orphanet 33364, MedGen C4225344, MONDO:0014615, OMIM 616390.
Inborn genetic diseases. Identifiers: MedGen C0950123, MeSH D030342.

Allele frequency attached by ClinVar (database versions not stated): gnomAD exomes 0.00002; gnomAD 0.00003; TOPMed 0.00003; ExAC 0.00004; ESP Exome Variant Server 0.00023.
gnomAD v4.1: 27 of 1,613,896 alleles (0.0017%); highest among the groups gnomAD compares: African/African-American, 0.0067%; no homozygotes.

Submissions (3):

Ambry Genetics
Classification: Uncertain significance for Inborn genetic diseases. Last evaluated: 2023-04-20. Review status: criteria provided, single submitter. Criteria: Ambry Variant Classification Scheme 2023. Collection method: clinical testing. Allele origin: germline.

Fulgent Genetics
Classification: Uncertain significance for Xeroderma pigmentosum group B; Trichothiodystrophy 2, photosensitive. Last evaluated: 2022-02-09. Review status: criteria provided, single submitter. Criteria: ACMG Guidelines, 2015. Collection method: clinical testing. Allele origin: unknown.

Labcorp Genetics (formerly Invitae), Labcorp
Classification: Uncertain significance. Last evaluated: 2021-12-22. Review status: criteria provided, single submitter. Criteria: Invitae Variant Classification Sherloc (09022015). Collection method: clinical testing. Allele origin: germline.
Comment: In summary, the available evidence is currently insufficient to determine the role of this variant in disease. Therefore, it has been classified as a Variant of Uncertain Significance. Algorithms developed to predict the effect of sequence changes on RNA splicing suggest that this variant may create or strengthen a splice site. Algorithms developed to predict the effect of missense changes on protein structure and function are either unavailable or do not agree on the potential impact of this missense change (SIFT: "Deleterious"; PolyPhen-2: "Benign"; Align-GVGD: "Class C15"). This variant has not been reported in the literature in individuals affected with ERCC3-related conditions. This variant is present in population databases (rs200291162, gnomAD 0.01%). This sequence change replaces methionine, which is neutral and non-polar, with valine, which is neutral and non-polar, at codon 450 of the ERCC3 protein (p.Met450Val).

NM_000122.2(ERCC3):c.1348A>G (p.Met450Val)

Gene: ERCC3 (ERCC excision repair 3, TFIIH core complex helicase subunit; minus strand). Cytogenetic location: 2q14.3.
Variant type: single nucleotide variant.
Coding change: c.1348A>G on transcript NM_000122.2 (MANE Select); coding-DNA position 1348, A replaced by G.
Protein change: p.Met450Val; replaces methionine 450 with valine.
Molecular consequence: missense variant.
Genome position (GRCh38, 1-based): chr2:127,280,626, T>C on the plus strand (A>G on the coding strand, the complement: ERCC3 is on the minus strand). VCF-style: chr2-127280626-T-C. GRCh37 (hg19) VCF-style: chr2-128038202-T-C.
Other names: c.1348A>G (NM_000122.1); c.1156A>G, p.Met386Val (NM_001303416.2, NM_001303418.2); short protein forms M450V, M386V.
Identifiers: ClinVar variation 1394743 (VCV001394743.8), dbSNP rs200291162, ClinGen allele CA1858282.